The following is an entry in ClinVar:

NM_003072.5(SMARCA4):c.719C>T (p.Pro240Leu)

Gene: SMARCA4 (SWI/SNF related BAF chromatin remodeling complex subunit ATPase 4; plus strand). Cytogenetic location: 19p13.2.
Variant type: single nucleotide variant.
Coding change: c.719C>T on transcript NM_003072.5 (MANE Select); coding-DNA position 719, C replaced by T.
Protein change: p.Pro240Leu; replaces proline 240 with leucine.
Molecular consequence: missense variant. On other transcripts: non-coding transcript variant (1).
Genome position (GRCh38, 1-based): chr19:10,986,552, C>T. VCF-style: chr19-10986552-C-T. GRCh37 (hg19) VCF-style: chr19-11097228-C-T.
Other names: c.719C>T, p.Pro240Leu (NM_001128844.3, NM_001128845.2, NM_001128846.2 and 5 more transcripts); c.719C>T (NM_001128849.2); short protein forms P240L.
Identifiers: ClinVar variation 238516 (VCV000238516.20), dbSNP rs201600949, ClinGen allele CA9203548.

ClinVar aggregate classification (germline): Conflicting classifications of pathogenicity. Review status: criteria provided, conflicting classifications (1 of 4 stars). 5 submissions from 5 submitters: Uncertain significance (1); Likely benign (4). Last evaluated 2026-01-11.

Conditions:
Otosclerosis 12. Identifiers: MedGen C5935610, MONDO:0968980, OMIM 620792.
Rhabdoid tumor predisposition syndrome 2 (RTPS2). Identifiers: Orphanet 231108, Orphanet 69077, MedGen C2750074, MONDO:0013224, OMIM 613325.
Intellectual disability, autosomal dominant 16 (CSS4). Also called: COFFIN-SIRIS SYNDROME 4. Identifiers: Orphanet 1465, MedGen C3553249, MONDO:0013821, OMIM 614609.
SMARCA4-related disorder. Also called: SMARCA4-related condition.
Hereditary cancer-predisposing syndrome. Also called: Neoplastic Syndromes, Hereditary; Hereditary neoplastic syndrome; Hereditary Cancer Syndrome; Tumor predisposition. Identifiers: Orphanet 140162, MedGen C0027672, MeSH D009386, MONDO:0015356.

Allele frequency attached by ClinVar (database versions not stated): gnomAD 0.00003 and 0.00004; gnomAD exomes 0.00004 and 0.00008; TOPMed 0.00004; ExAC 0.00009; 1000 Genomes Project 0.00040.

Submissions (5):

Labcorp Genetics (formerly Invitae), Labcorp
Classification: Likely benign for Rhabdoid tumor predisposition syndrome 2. Last evaluated: 2026-01-11. Review status: criteria provided, single submitter. Criteria: Invitae Variant Classification Sherloc (09022015). Collection method: clinical testing. Allele origin: germline.

PreventionGenetics, part of Exact Sciences
Classification: Likely benign for SMARCA4-related condition. Last evaluated: 2025-06-28. Review status: criteria provided, single submitter. Criteria: ACMG Guidelines, 2015. Collection method: clinical testing. Allele origin: germline.
Comment: This variant is classified as likely benign based on ACMG/AMP sequence variant interpretation guidelines (Richards et al. 2015 PMID: 25741868, with internal and published modifications).

Department of Pathology and Laboratory Medicine, Sinai Health System
Classification: Uncertain significance for Rhabdoid tumor predisposition syndrome 2; Intellectual disability, autosomal dominant 16; Otosclerosis 12. Last evaluated: 2023-04-28. Review status: criteria provided, single submitter. Criteria: ACMG Guidelines, 2015. Collection method: clinical testing. Allele origin: germline. Affected: yes.

Genome-Nilou Lab
Classification: Likely benign for Intellectual disability, autosomal dominant 16. Last evaluated: 2021-07-15. Review status: criteria provided, single submitter. Criteria: ACMG Guidelines, 2015. Collection method: clinical testing. Allele origin: germline. Affected: no.

Ambry Genetics
Classification: Likely benign for Hereditary cancer-predisposing syndrome. Last evaluated: 2021-05-05. Review status: criteria provided, single submitter. Criteria: Ambry Variant Classification Scheme 2023. Collection method: clinical testing. Allele origin: germline.